The following is an entry in ClinVar:

NM_001148.6(ANK2):c.2288C>T (p.Thr763Met)

Gene: ANK2 (ankyrin 2; plus strand). Cytogenetic location: 4q26.
Variant type: single nucleotide variant.
Coding change: c.2288C>T on transcript NM_001148.6 (MANE Select); coding-DNA position 2288, C replaced by T.
Protein change: p.Thr763Met; replaces threonine 763 with methionine.
Molecular consequence: missense variant.
Genome position (GRCh38, 1-based): chr4:113,292,426, C>T. VCF-style: chr4-113292426-C-T. GRCh37 (hg19) VCF-style: chr4-114213582-C-T.
Other names: c.2225C>T, p.Thr742Met (NM_001127493.3, NM_001354239.2, NM_001354243.2 and 10 more transcripts); c.2288C>T, p.Thr763Met (NM_001354225.2, NM_001354228.2, NM_001354232.2 and 6 more transcripts); c.2333C>T, p.Thr778Met (NM_001354230.2, NM_001354231.2, NM_001354237.2 and 5 more transcripts); c.2189C>T, p.Thr730Met (NM_001354245.2, NM_001354268.2); c.2201C>T, p.Thr734Met (NM_001354249.2, NM_001354274.2, NM_001354276.2 and 10 more transcripts); c.2126C>T, p.Thr709Met (NM_001354253.2, NM_001354270.2, NM_001386156.1 and 1 more transcripts); c.2078C>T, p.Thr693Met (NM_001354269.3); c.2102C>T, p.Thr701Met (NM_001354271.2, NM_001354260.2, NM_001386151.1); and 8 more; short protein forms T668M, T734M, T749M, T780M, T701M, T709M, T730M, T742M.
Identifiers: ClinVar variation 4097072 (VCV004097072.2).

ClinVar aggregate classification (germline): Uncertain significance (1 of 4 stars; one submission).

Conditions:
Cardiovascular phenotype. Identifiers: MedGen CN230736.

gnomAD v4.1: 1 of 1,609,772 alleles (0.000062%); highest among the groups gnomAD compares: Non-Finnish European, 0.000085%; no homozygotes.

Submission:

Ambry Genetics
Classification: Uncertain significance for Cardiovascular phenotype. Last evaluated: 2026-07-09. Review status: criteria provided, single submitter. Criteria: Ambry Variant Classification Scheme 2023. Collection method: clinical testing. Allele origin: germline.
Comment: The p.T763M variant (also known as c.2288C>T), located in coding exon 21 of the ANK2 gene, results from a C to T substitution at nucleotide position 2288. The threonine at codon 763 is replaced by methionine, an amino acid with similar properties. This amino acid position is conserved. In addition, this alteration is predicted to be deleterious by in silico analysis. Based on the available evidence, the clinical significance of this variant remains unclear.